The following is an entry in ClinVar:

ClinVar aggregate classification (germline): Likely pathogenic (1 of 4 stars; one submission).

Submission:

GeneDx
Classification: Likely pathogenic. Last evaluated: 2014-04-25. Review status: criteria provided, single submitter. Criteria: GeneDx Variant Classification (06012015). Collection method: clinical testing. Allele origin: germline. Affected: yes.
Comment: p.Gly259Asp (GGT>GAT): c.776 G>A in exon 7 of the SUCLG1 gene (NM_003849.3) G259D has not been published as mutation, or reported as benign polymorphisms to our knowledge. G259D variant is non-conservative amino acid substitution, which is likely to impact secondary protein structure as these residues differ in polarity, charge, size and/or other properties. The substitution occurs at positions that is highly conserved across species. In silico analyses predict that this variant is probably damaging to the protein structure/function. Therefore, the G259D variant is a strong candidate for pathogenic mutations, however the possibility that it is a benign variant cannot be excluded. The variant is found in MITONUC-MITOP panel(s).

NM_003849.4(SUCLG1):c.776G>A (p.Gly259Asp)

Gene: SUCLG1 (succinate-CoA ligase GDP/ADP-forming subunit alpha; minus strand). Cytogenetic location: 2p11.2.
Variant type: single nucleotide variant.
Coding change: c.776G>A on transcript NM_003849.4 (MANE Select); coding-DNA position 776, G replaced by A.
Protein change: p.Gly259Asp; replaces glycine 259 with aspartic acid.
Molecular consequence: missense variant.
Genome position (GRCh38, 1-based): chr2:84,431,557, C>T on the plus strand (G>A on the coding strand, the complement: SUCLG1 is on the minus strand). VCF-style: chr2-84431557-C-T. GRCh37 (hg19) VCF-style: chr2-84658681-C-T.
Other names: p.G259D:GGT>GAT; short protein forms G259D.
Identifiers: ClinVar variation 203974 (VCV000203974.2), dbSNP rs796052051, ClinGen allele CA313056.